The following is an entry in ClinVar:

ClinVar aggregate classification (germline): Uncertain significance (1 of 4 stars; one submission).

gnomAD v4.1: 1 of 1,614,194 alleles (0.000062%); highest among the groups gnomAD compares: Non-Finnish European, 0.000085%; no homozygotes.

Submission:

GeneDx
Classification: Uncertain significance. Last evaluated: 2025-07-12. Review status: criteria provided, single submitter. Criteria: GeneDx Variant Classification Process June 2021. Collection method: clinical testing. Allele origin: germline.
Comment: Has not been previously published as pathogenic or benign to our knowledge; Not observed at significant frequency in large population cohorts (gnomAD); In silico analysis supports that this missense variant has a deleterious effect on protein structure/function

NM_001375524.1(TRRAP):c.3121T>C (p.Phe1041Leu)

Gene: TRRAP (transformation/transcription domain associated protein; plus strand). Cytogenetic location: 7q22.1.
Variant type: single nucleotide variant.
Coding change: c.3121T>C on transcript NM_001375524.1 (MANE Select); coding-DNA position 3121, T replaced by C.
Protein change: p.Phe1041Leu; replaces phenylalanine 1041 with leucine.
Molecular consequence: missense variant.
Genome position (GRCh38, 1-based): chr7:98,927,312, T>C. VCF-style: chr7-98927312-T-C. GRCh37 (hg19) VCF-style: chr7-98524935-T-C.
Other names: c.3121T>C, p.Phe1041Leu (NM_001244580.2, NM_003496.4); short protein forms F1041L.
Identifiers: ClinVar variation 3362217 (VCV003362217.2).